The following is an entry in ClinVar:

NM_002578.5(PAK3):c.823G>C (p.Gly275Arg)

Gene: PAK3 (p21 (RAC1) activated kinase 3; plus strand). Cytogenetic location: Xq23.
Variant type: single nucleotide variant.
Coding change: c.823G>C on transcript NM_002578.5 (MANE Select); coding-DNA position 823, G replaced by C.
Protein change: p.Gly275Arg; replaces glycine 275 with arginine.
Molecular consequence: missense variant. On other transcripts: non-coding transcript variant (2).
Genome position (GRCh38, 1-based): chrX:111,173,074, G>C. VCF-style: chrX-111173074-G-C. GRCh37 (hg19) VCF-style: chrX-110416302-G-C.
Other names: c.823G>C, p.Gly275Arg (NM_001128166.3, NM_001128167.3, NM_001324325.2 and 5 more transcripts); c.931G>C, p.Gly311Arg (NM_001128168.3); c.886G>C, p.Gly296Arg (NM_001128172.2); c.868G>C, p.Gly290Arg (NM_001128173.3, NM_001324327.2, NM_001324328.2 and 2 more transcripts); short protein forms G275R, G290R, G296R, G311R.
Identifiers: ClinVar variation 4070811 (VCV004070811.1).

ClinVar aggregate classification (germline): Uncertain significance (1 of 4 stars; one submission).

Submission:

GeneDx
Classification: Uncertain significance. Last evaluated: 2025-01-21. Review status: criteria provided, single submitter. Criteria: GeneDx Variant Classification Process June 2021. Collection method: clinical testing. Allele origin: germline. Affected: yes.
Comment: Not observed at significant frequency in large population cohorts (gnomAD); In silico analysis supports that this missense variant has a deleterious effect on protein structure/function; Has not been previously published as pathogenic or benign to our knowledge